The following is an entry in ClinVar:

NM_004415.4(DSP):c.2777T>C (p.Phe926Ser)

Gene: DSP (desmoplakin; plus strand). Cytogenetic location: 6p24.3.
Variant type: single nucleotide variant.
Coding change: c.2777T>C on transcript NM_004415.4 (MANE Select); coding-DNA position 2777, T replaced by C.
Protein change: p.Phe926Ser; replaces phenylalanine 926 with serine.
Molecular consequence: missense variant.
Genome position (GRCh38, 1-based): chr6:7,576,440, T>C. VCF-style: chr6-7576440-T-C. GRCh37 (hg19) VCF-style: chr6-7576673-T-C.
Other names: c.2777T>C, p.Phe926Ser (NM_001008844.3, NM_001319034.2); short protein forms F926S.
Identifiers: ClinVar variation 2929775 (VCV002929775.4), dbSNP rs2533911784, ClinGen allele CA362682102.

ClinVar aggregate classification (germline): Uncertain significance. Review status: criteria provided, multiple submitters, no conflicts (2 of 4 stars). 2 submissions from 2 submitters: Uncertain significance (2). Last evaluated 2023-06-26.

Conditions:
Arrhythmogenic cardiomyopathy with wooly hair and keratoderma. Also called: Arrhythmogenic cardiomyopathy with woolly hair and keratoderma; Dilated cardiomyopathy with woolly hair and keratoderma; PALMOPLANTAR KERATODERMA WITH LEFT VENTRICULAR CARDIOMYOPATHY AND WOOLLY HAIR; Carvajal syndrome. Identifiers: Orphanet 65282, MedGen C1854063, MONDO:0011581, OMIM 605676.
Arrhythmogenic right ventricular dysplasia 8 (ARVD8). Also called: Arrhythmogenic Right Ventricular Dysplasia/Cardiomyopathy 8; ARRHYTHMOGENIC RIGHT VENTRICULAR DYSPLASIA, FAMILIAL, 8; ARRHYTHMOGENIC RIGHT VENTRICULAR CARDIOMYOPATHY 8. Identifiers: MedGen C1843896, MONDO:0011831, OMIM 607450.

Submissions (2):

All of Us Research Program, National Institutes of Health
Classification: Uncertain significance for Arrhythmogenic cardiomyopathy with wooly hair and keratoderma. Last evaluated: 2023-06-26. Review status: criteria provided, single submitter. Criteria: ACMG Guidelines, 2015. Collection method: clinical testing. Allele origin: germline. Inheritance: Autosomal dominant inheritance. Observed: 1 variant allele, 1 heterozygote.
Comment: This missense variant replaces phenylalanine with serine at codon 926 of the DSP protein. Computational prediction suggests that this variant may not impact protein structure and function (internally defined REVEL score threshold <= 0.5, PMID: 27666373). To our knowledge, functional studies have not been reported for this variant. This variant has not been reported in individuals affected with DSP-related disorders in the literature. This variant has not been identified in the general population by the Genome Aggregation Database (gnomAD). The available evidence is insufficient to determine the role of this variant in disease conclusively. Therefore, this variant is classified as a Variant of Uncertain Significance.

This study involves interpretation of variants in research participants for the purpose of population health screening. Participant phenotype was not available at the time of variant classification. Additional details can be found in publication PMID: 35346344, PMCID: PMC8962531

Labcorp Genetics (formerly Invitae), Labcorp
Classification: Uncertain significance for Arrhythmogenic cardiomyopathy with wooly hair and keratoderma; Arrhythmogenic right ventricular dysplasia 8. Last evaluated: 2023-05-19. Review status: criteria provided, single submitter. Criteria: Invitae Variant Classification Sherloc (09022015). Collection method: clinical testing. Allele origin: germline.
Comment: In summary, the available evidence is currently insufficient to determine the role of this variant in disease. Therefore, it has been classified as a Variant of Uncertain Significance. An algorithm developed to predict the effect of missense changes on protein structure and function (PolyPhen-2) suggests that this variant is likely to be tolerated. This variant has not been reported in the literature in individuals affected with DSP-related conditions. This variant is not present in population databases (gnomAD no frequency). This sequence change replaces phenylalanine, which is neutral and non-polar, with serine, which is neutral and polar, at codon 926 of the DSP protein (p.Phe926Ser).